The following is an entry in ClinVar:

ClinVar aggregate classification (germline): Uncertain significance (1 of 4 stars; one submission).

gnomAD v4.1: 1 of 1,613,700 alleles (0.000062%); no homozygotes.

Submission:

Women's Health and Genetics/Laboratory Corporation of America, LabCorp
Classification: Uncertain significance. Last evaluated: 2025-05-08. Review status: criteria provided, single submitter. Criteria: LabCorp Variant Classification Summary - May 2015. Collection method: clinical testing. Allele origin: germline.
Comment: Variant summary: LYST c.7948G>A (p.Ala2650Thr) results in a non-conservative amino acid change in the encoded protein sequence. Algorithms developed to predict the effect of missense changes on protein structure and function are either unavailable or do not agree on the potential impact of this missense change. The variant was absent in 251372 control chromosomes. The available data on variant occurrences in the general population are insufficient to allow any conclusion about variant significance. To our knowledge, no occurrence of c.7948G>A in individuals affected with Chediak-Higashi Syndrome and no experimental evidence demonstrating its impact on protein function have been reported. No submitters have cited clinical-significance assessments for this variant to ClinVar. Based on the evidence outlined above, the variant was classified as uncertain significance.

NM_000081.4(LYST):c.7948G>A (p.Ala2650Thr)

Gene: LYST (lysosomal trafficking regulator; minus strand). Cytogenetic location: 1q42.3.
Variant type: single nucleotide variant.
Coding change: c.7948G>A on transcript NM_000081.4 (MANE Select); coding-DNA position 7948, G replaced by A.
Protein change: p.Ala2650Thr; replaces alanine 2650 with threonine.
Molecular consequence: missense variant.
Genome position (GRCh38, 1-based): chr1:235,746,360, C>T on the plus strand (G>A on the coding strand, the complement: LYST is on the minus strand). VCF-style: chr1-235746360-C-T. GRCh37 (hg19) VCF-style: chr1-235909660-C-T.
Other names: c.7948G>A, p.Ala2650Thr (NM_001301365.1); short protein forms A2650T.
Identifiers: ClinVar variation 3902412 (VCV003902412.1).